The following is an entry in ClinVar:

ClinVar aggregate classification (germline): Uncertain significance (1 of 4 stars; one submission).

Conditions:
Ataxia-telangiectasia syndrome (AT). Also called: ATAXIA-TELANGIECTASIA, COMPLEMENTATION GROUP A; ATAXIA-TELANGIECTASIA, FRESNO VARIANT; Ataxia-telangiectasia; Ataxia-telangiectasia, complementation group E; LOUIS-BAR SYNDROME; Cerebello-oculocutaneous telangiectasia. Identifiers: Orphanet 100, MedGen C0004135, MONDO:0008840, OMIM 208900.

Submission:

Labcorp Genetics (formerly Invitae), Labcorp
Classification: Uncertain significance for Ataxia-telangiectasia syndrome. Last evaluated: 2025-12-20. Review status: criteria provided, single submitter. Criteria: Invitae Variant Classification Sherloc (09022015). Collection method: clinical testing. Allele origin: germline.
Comment: This sequence change replaces aspartic acid, which is acidic and polar, with glycine, which is neutral and non-polar, at codon 2708 of the ATM protein (p.Asp2708Gly). This variant is not present in population databases (gnomAD no frequency). This variant has not been reported in the literature in individuals affected with ATM-related conditions. ClinVar contains an entry for this variant (Variation ID: 2087964). Invitae Evidence Modeling of protein sequence and biophysical properties (such as structural, functional, and spatial information, amino acid conservation, physicochemical variation, residue mobility, and thermodynamic stability) indicates that this missense variant is expected to disrupt ATM protein function with a positive predictive value of 95%. This variant disrupts the p.Asp2708 amino acid residue in ATM. Other variant(s) that disrupt this residue have been determined to be pathogenic (PMID: 16941484, 21665257, 22071889, 23632773). This suggests that this residue is clinically significant, and that variants that disrupt this residue are likely to be disease-causing. In summary, the available evidence is currently insufficient to determine the role of this variant in disease. Therefore, it has been classified as a Variant of Uncertain Significance.

Literature cited by the submitters: PubMed 16941484; PubMed 21665257; PubMed 22071889; PubMed 23632773.

NM_000051.4(ATM):c.8123A>G (p.Asp2708Gly)

Genes: ATM (ATM serine/threonine kinase; plus strand), C11orf65 (chromosome 11 open reading frame 65; minus strand). Cytogenetic location: 11q22.3.
Variant type: single nucleotide variant.
Coding change: c.8123A>G on transcript NM_000051.4 (MANE Select); coding-DNA position 8123, A replaced by G.
Protein change: p.Asp2708Gly; replaces aspartic acid 2708 with glycine.
Molecular consequence: missense variant. On other transcripts: intron variant (2).
Genome position (GRCh38, 1-based): chr11:108,335,081, A>G. VCF-style: chr11-108335081-A-G. GRCh37 (hg19) VCF-style: chr11-108205808-A-G.
Other names: c.8123A>G, p.Asp2708Gly (NM_001351834.2); c.641-26010T>C (NM_001330368.2); c.*38+139T>C (NM_001351110.2); short protein forms D2708G.
Identifiers: ClinVar variation 2087964 (VCV002087964.4), dbSNP rs2086688080, ClinGen allele CA382562169.